The following is an entry in ClinVar:

ClinVar aggregate classification (germline): Uncertain significance (1 of 4 stars; one submission).

Conditions:
Primary ciliary dyskinesia. Also called: Ciliary dyskinesia. Identifiers: Orphanet 244, MedGen C0008780, MONDO:0016575, HP:0012265.

gnomAD v4.1: 4 of 1,584,448 alleles (0.00025%); highest among the groups gnomAD compares: Non-Finnish European, 0.00034%; no homozygotes.

Submission:

Labcorp Genetics (formerly Invitae), Labcorp
Classification: Uncertain significance for Primary ciliary dyskinesia. Last evaluated: 2019-03-13. Review status: criteria provided, single submitter. Criteria: Invitae Variant Classification Sherloc (09022015). Collection method: clinical testing. Allele origin: germline.
Comment: This sequence change replaces glutamic acid with aspartic acid at codon 2 of the DNAH8 protein (p.Glu2Asp). The glutamic acid residue is weakly conserved and there is a small physicochemical difference between glutamic acid and aspartic acid. This variant is not present in population databases (ExAC no frequency). This variant has not been reported in the literature in individuals with DNAH8-related conditions. Algorithms developed to predict the effect of missense changes on protein structure and function are either unavailable or do not agree on the potential impact of this missense change (SIFT: "Tolerated"; PolyPhen-2: "Not Available"; Align-GVGD: "Class C0"). In summary, the available evidence is currently insufficient to determine the role of this variant in disease. Therefore, it has been classified as a Variant of Uncertain Significance.

NM_001206927.2(DNAH8):c.6G>C (p.Glu2Asp)

Genes: DNAH8 (dynein axonemal heavy chain 8; plus strand), LOC126859667 (BRD4-independent group 4 enhancer GRCh37_chr6:38690326-38691525; plus strand). Cytogenetic location: 6p21.2.
Variant type: single nucleotide variant.
Coding change: c.6G>C on transcript NM_001206927.2 (MANE Select); coding-DNA position 6, G replaced by C.
Protein change: p.Glu2Asp; replaces glutamic acid 2 with aspartic acid.
Molecular consequence: missense variant. On other transcripts: 5 prime UTR variant (1).
Genome position (GRCh38, 1-based): chr6:38,722,815, G>C. VCF-style: chr6-38722815-G-C. GRCh37 (hg19) VCF-style: chr6-38690591-G-C.
Other names: c.-561G>C (NM_001371.4); short protein forms E2D.
Identifiers: ClinVar variation 847617 (VCV000847617.10), dbSNP rs774924483, ClinGen allele CA363984246.